The following is an entry in ClinVar:

NM_014874.4(MFN2):c.1322T>C (p.Leu441Pro)

Gene: MFN2 (mitofusin 2; plus strand). Cytogenetic location: 1p36.22.
Variant type: single nucleotide variant.
Coding change: c.1322T>C on transcript NM_014874.4 (MANE Select); coding-DNA position 1322, T replaced by C.
Protein change: p.Leu441Pro; replaces leucine 441 with proline.
Molecular consequence: missense variant.
Genome position (GRCh38, 1-based): chr1:12,004,543, T>C. VCF-style: chr1-12004543-T-C. GRCh37 (hg19) VCF-style: chr1-12064600-T-C.
Other names: c.1322T>C, p.Leu441Pro (NM_001127660.2); short protein forms L441P.
Identifiers: ClinVar variation 570532 (VCV000570532.8), dbSNP rs1557530701, ClinGen allele CA338446085.
Genomic context (GRCh38, chr1:12,004,543, plus strand): 5'-TAACAGTGTGCTTCCTTTTGCTGTAGGTGTCGACTGCAATGGCCGAGGAGATCAGGCGCC[T>C]CTCTGTACTGGTGGACGATTACCAGATGGACTTCCACCCTTCTCCAGTAGTCCTCAAGGT-3'
Protein context (NP_055689.1, residues 431-451): STAMAEEIRR[Leu441Pro]SVLVDDYQMD

ClinVar aggregate classification (germline): Uncertain significance (1 of 4 stars; one submission).

Conditions:
Charcot-Marie-Tooth disease type 2. Also called: Charcot-Marie-Tooth type 2. Identifiers: Orphanet 64746, MedGen C0270914, MONDO:0018993.

Submission:

Labcorp Genetics (formerly Invitae), Labcorp
Classification: Uncertain significance for Charcot-Marie-Tooth disease type 2. Last evaluated: 2018-04-28. Review status: criteria provided, single submitter. Criteria: Invitae Variant Classification Sherloc (09022015). Collection method: clinical testing. Allele origin: germline.
Comment: This variant has not been reported in the literature in individuals with MFN2-related disease. In summary, the available evidence is currently insufficient to determine the role of this variant in disease. Therefore, it has been classified as a Variant of Uncertain Significance. Experimental studies have shown that this missense change impairs the function of the MFN2 protein (PMID: 21647385). This variant is not present in population databases (ExAC no frequency). This sequence change replaces leucine with proline at codon 441 of the MFN2 protein (p.Leu441Pro). The leucine residue is highly conserved and there is a moderate physicochemical difference between leucine and proline.

Literature cited by the submitters: PubMed 21647385.